The following is an entry in ClinVar:

ClinVar aggregate classification (germline): Uncertain significance (1 of 4 stars; one submission).

Conditions:
Hereditary cancer-predisposing syndrome. Also called: Neoplastic Syndromes, Hereditary; Tumor predisposition; Hereditary neoplastic syndrome; Hereditary Cancer Syndrome. Identifiers: Orphanet 140162, MedGen C0027672, MeSH D009386, MONDO:0015356.

Allele frequency attached by ClinVar (database versions not stated): gnomAD exomes below 0.00001.
gnomAD v4.1: 1 of 1,614,070 alleles (0.000062%); highest among the groups gnomAD compares: South Asian, 0.0011%; no homozygotes.

Submission:

Ambry Genetics
Classification: Uncertain significance for Hereditary cancer-predisposing syndrome. Last evaluated: 2023-03-12. Review status: criteria provided, single submitter. Criteria: Ambry Variant Classification Scheme 2023. Collection method: clinical testing. Allele origin: germline.
Comment: The p.E441K variant (also known as c.1321G>A), located in coding exon 11 of the PMS2 gene, results from a G to A substitution at nucleotide position 1321. The glutamic acid at codon 441 is replaced by lysine, an amino acid with similar properties. This amino acid position is conserved. In addition, this alteration is predicted to be tolerated by in silico analysis. Since supporting evidence is limited at this time, the clinical significance of this alteration remains unclear.

NM_000535.7(PMS2):c.1321G>A (p.Glu441Lys)

Gene: PMS2 (PMS1 homolog 2, mismatch repair system component; minus strand). Cytogenetic location: 7p22.1.
Variant type: single nucleotide variant.
Coding change: c.1321G>A on transcript NM_000535.7 (MANE Select); coding-DNA position 1321, G replaced by A.
Protein change: p.Glu441Lys; replaces glutamic acid 441 with lysine.
Molecular consequence: missense variant. On other transcripts: non-coding transcript variant (1), intron variant (1).
Genome position (GRCh38, 1-based): chr7:5,987,444, C>T on the plus strand (G>A on the coding strand, the complement: PMS2 is on the minus strand). VCF-style: chr7-5987444-C-T. GRCh37 (hg19) VCF-style: chr7-6027075-C-T.
Other names: c.916G>A, p.Glu306Lys (NM_001018040.1, NM_001322003.2, NM_001322004.2 and 17 more transcripts); c.1165G>A, p.Glu389Lys (NM_001322006.2, NM_001406870.1); c.1003G>A, p.Glu335Lys (NM_001322007.2, NM_001322008.2, NM_001406876.1 and 2 more transcripts); c.760G>A, p.Glu254Lys (NM_001322010.2, NM_001406906.1, NM_001406907.1); c.388G>A, p.Glu130Lys (NM_001322011.2, NM_001322012.2); c.748G>A, p.Glu250Lys (NM_001322013.2, NM_001406909.1); c.1321G>A, p.Glu441Lys (NM_001322014.2, NM_001406871.1, NM_001406872.1); c.1012G>A, p.Glu338Lys (NM_001322015.2, NM_001406875.1, NM_001406877.1 and 5 more transcripts); and 13 more; short protein forms E306K, E319K, E449K, E250K, E283K, E329K, E333K, E503K.
Identifiers: ClinVar variation 2451633 (VCV002451633.2), dbSNP rs1783135008, ClinGen allele CA366742342.
Genomic context (GRCh38, chr7:5,987,444, plus strand): 5'-CACCTGAAGTGCTAGAAGACAGCATACCCCTTTTCTGTCCTAGAGGGCTCCTTCTTGGTT[C>T]TGGAGTCTTTGGGCTGTGAGGCTTGTTCTCTGTTGTGTGACGAAGAGAAAAGGCCTCTCG-3'
Protein context (NP_000526.2, residues 431-451): ENKPHSPKTP[Glu441Lys]PRRSPLGQKR